The following is an entry in ClinVar:

ClinVar aggregate classification (germline): Benign (1 of 4 stars; one submission).

Conditions:
Congenital microvillous atrophy (DIAR2). Also called: DAVIDSON DISEASE; MICROVILLUS ATROPHY, CONGENITAL; Microvillus inclusion disease; Diarrhea 2 with microvillus atrophy, with or without cholestasis; CONGENITAL FAMILIAL PROTRACTED DIARRHEA WITH ENTEROCYTE BRUSH-BORDER ABNORMALITIES. Identifiers: Orphanet 2290, MedGen C0341306, MONDO:0009635, OMIM 251850.

Allele frequency attached by ClinVar (database versions not stated): gnomAD 0.00692 and 0.00732; TOPMed 0.00769; 1000 Genomes Project 0.00839; 1000 Genomes Project 30x 0.00874.

Submission:

Illumina Laboratory Services, Illumina
Classification: Benign for Congenital microvillous atrophy. Last evaluated: 2018-01-12. Review status: criteria provided, single submitter. Criteria: ICSL Variant Classification Criteria 13 December 2019. Collection method: clinical testing. Allele origin: germline.
Comment: This variant was observed in the ICSL laboratory as part of a predisposition screen in an ostensibly healthy population. It had not been previously curated by ICSL or reported in the Human Gene Mutation Database (HGMD: prior to June 1st, 2018), and was therefore a candidate for classification through an automated scoring system. Utilizing variant allele frequency, disease prevalence and penetrance estimates, and inheritance mode, an automated score was calculated to assess if this variant is too frequent to cause the disease. Based on the score and internal cut-off values, a variant classified as benign is not then subjected to further curation. The score for this variant resulted in a classification of benign for this disease.

NM_001080467.3(MYO5B):c.*2645T>G

Genes: SNHG22 (small nucleolar RNA host gene 22; plus strand), MYO5B (myosin VB; minus strand). Cytogenetic location: 18q21.1.
Variant type: single nucleotide variant.
Coding change: c.*2645T>G on transcript NM_001080467.3 (MANE Select); 2645 bases downstream of the stop codon, T replaced by G.
Molecular consequence: 3 prime UTR variant.
Genome position (GRCh38, 1-based): chr18:49,823,826, A>C on the plus strand (T>G on the coding strand, the complement: MYO5B is on the minus strand). VCF-style: chr18-49823826-A-C. GRCh37 (hg19) VCF-style: chr18-47350196-A-C.
Identifiers: ClinVar variation 326942 (VCV000326942.5), dbSNP rs140855200, ClinGen allele CA10650889.